The following is an entry in ClinVar:

ClinVar aggregate classification (germline): Uncertain significance (1 of 4 stars; one submission).

Submission:

Labcorp Genetics (formerly Invitae), Labcorp
Classification: Uncertain significance. Last evaluated: 2022-02-08. Review status: criteria provided, single submitter. Criteria: Invitae Variant Classification Sherloc (09022015). Collection method: clinical testing. Allele origin: germline.
Comment: This sequence change replaces cysteine, which is neutral and slightly polar, with tyrosine, which is neutral and polar, at codon 180 of the STUB1 protein (p.Cys180Tyr). This variant is not present in population databases (gnomAD no frequency). This variant has not been reported in the literature in individuals affected with STUB1-related conditions. Algorithms developed to predict the effect of missense changes on protein structure and function (SIFT, PolyPhen-2, Align-GVGD) all suggest that this variant is likely to be tolerated. In summary, the available evidence is currently insufficient to determine the role of this variant in disease. Therefore, it has been classified as a Variant of Uncertain Significance.

NM_005861.4(STUB1):c.539G>A (p.Cys180Tyr)

Genes: JMJD8 (jumonji domain containing 8; minus strand), STUB1 (STIP1 homology and U-box containing protein 1; plus strand). Cytogenetic location: 16p13.3.
Variant type: single nucleotide variant.
Coding change: c.539G>A on transcript NM_005861.4 (MANE Select); coding-DNA position 539, G replaced by A.
Protein change: p.Cys180Tyr; replaces cysteine 180 with tyrosine.
Molecular consequence: missense variant. On other transcripts: 3 prime UTR variant (5), non-coding transcript variant (3).
Genome position (GRCh38, 1-based): chr16:681,807, G>A. VCF-style: chr16-681807-G-A. GRCh37 (hg19) VCF-style: chr16-731807-G-A.
Other names: c.323G>A, p.Cys108Tyr (NM_001293197.2); c.*987C>T (NM_001005920.4, NM_001323919.3, NM_001323920.3); c.*1021C>T (NM_001323918.3, NM_001323922.3); short protein forms C180Y, C108Y.
Identifiers: ClinVar variation 2090388 (VCV002090388.4), dbSNP rs2543808558, ClinGen allele CA394112845.